The following is an entry in ClinVar:

NM_002103.5(GYS1):c.1826G>A (p.Arg609His)

Gene: GYS1 (glycogen synthase 1; minus strand). Cytogenetic location: 19q13.33.
Variant type: single nucleotide variant.
Coding change: c.1826G>A on transcript NM_002103.5 (MANE Select); coding-DNA position 1826, G replaced by A.
Protein change: p.Arg609His; replaces arginine 609 with histidine.
Molecular consequence: missense variant. On other transcripts: non-coding transcript variant (1).
Genome position (GRCh38, 1-based): chr19:48,969,839, C>T on the plus strand (G>A on the coding strand, the complement: GYS1 is on the minus strand). VCF-style: chr19-48969839-C-T. GRCh37 (hg19) VCF-style: chr19-49473096-C-T.
Other names: c.1634G>A, p.Arg545His (NM_001161587.2); short protein forms R545H, R609H.
Identifiers: ClinVar variation 2047513 (VCV002047513.4), dbSNP rs1331490118, ClinGen allele CA406760018.

ClinVar aggregate classification (germline): Uncertain significance (1 of 4 stars; one submission).

Conditions:
Glycogen storage disease due to muscle and heart glycogen synthase deficiency. Also called: GSD 0b; MUSCLE GLYCOGEN SYNTHASE DEFICIENCY. Identifiers: Orphanet 137625, MedGen C1969054, MONDO:0012693, OMIM 611556.

gnomAD v4.1: 1 of 1,613,488 alleles (0.000062%); highest among the groups gnomAD compares: East Asian, 0.0022%; no homozygotes.

Submission:

Labcorp Genetics (formerly Invitae), Labcorp
Classification: Uncertain significance for Glycogen storage disease due to muscle and heart glycogen synthase deficiency. Last evaluated: 2022-08-23. Review status: criteria provided, single submitter. Criteria: Invitae Variant Classification Sherloc (09022015). Collection method: clinical testing. Allele origin: germline.
Comment: In summary, the available evidence is currently insufficient to determine the role of this variant in disease. Therefore, it has been classified as a Variant of Uncertain Significance. Algorithms developed to predict the effect of missense changes on protein structure and function are either unavailable or do not agree on the potential impact of this missense change (SIFT: "Deleterious"; PolyPhen-2: "Probably Damaging"; Align-GVGD: "Class C0"). This variant has not been reported in the literature in individuals affected with GYS1-related conditions. This variant is not present in population databases (gnomAD no frequency). This sequence change replaces arginine, which is basic and polar, with histidine, which is basic and polar, at codon 609 of the GYS1 protein (p.Arg609His).